The following is an entry in ClinVar:

ClinVar aggregate classification (germline): Uncertain significance. Review status: reviewed by expert panel (3 of 4 stars). 3 submissions from 3 submitters: Uncertain significance (1). 2 of the submissions do not count toward it. Last evaluated 2026-05-19.

Conditions:
PIK3R1-related immunodeficiency and SHORT syndrome. Identifiers: MedGen CN379774, MONDO:1060136.
SHORT syndrome. Also called: LIPODYSTROPHY, PARTIAL, WITH RIEGER ANOMALY AND SHORT STATURE; PIK3R1-Related SHORT Syndrome; SHORT STATURE, HYPEREXTENSIBILITY, HERNIA, OCULAR DEPRESSION, RIEGER ANOMALY, AND TEETHING DELAY. Identifiers: Orphanet 3163, MedGen C0878684, MONDO:0010026, OMIM 269880.

Submissions (3):

ClinGen Primary Immune Regulatory Disorders Variant Curation Expert Panel, ClinGen
Classification: Uncertain significance for PIK3R1-related immunodeficiency and SHORT syndrome. Last evaluated: 2026-05-19. Review status: reviewed by expert panel. Criteria: ClinGen AbDef ACMG Specifications PIK3R1 V1.0.0. Collection method: curation. Allele origin: germline. Inheritance: Autosomal dominant inheritance.
Comment: NM_181523.3(PIK3R1):c.1106C>T (p.Thr369Ile) is a missense variant causing substitution of threonine by isoleucine at amino acid 369. This variant is absent from gnomAD v4.1.0 (PM2_Supporting). This variant has been reported in 1 proband submitted to ClinVar who was reported to be affected with SHORT syndrome, with no details provided regarding clinical phenotypes or genetic testing method (0 total points, SCV000194645.1). Because the Antibody Deficiencies VCEP requires a proband to have at least 6 phenotypic points with comprehensive genetic testing that did not identify an alternative basis for disease in the PIK3CD locus, PS4_Supporting was not met. The computational predictor REVEL gives a score of 0.911, which is above the ClinGen Antibody Deficiencies VCEP threshold of >0.644 and predicts a damaging effect on PIK3R1 function. The computational predictor CADD gives a PHRED score of 28.1, which is above the ClinGen Antibody Deficiencies VCEP threshold of >26.0 and predicts a deleterious effect on PIK3R1 function. The two predictors agree on a damaging effect (PP3). The splicing impact predictor SpliceAI gives a score of 0.09 for donor gain, which is below the ClinGen Antibody Deficiencies VCEP recommended threshold of <0.1 and does not predict an impact on splicing. In summary, this variant meets the criteria to be classified as a variant of uncertain significance for PIK3R1 immunodeficiency with SHORT syndrome based on the ACMG/AMP criteria applied, as specified by the ClinGen Antibody Deficiencies VCEP: PM2_Supporting and PP3. (VCEP specifications version 1.0.0; date of approval 04/29/2026).

GeneDx
Classification: Uncertain significance. Last evaluated: 2026-03-10. Review status: criteria provided, single submitter. Criteria: GeneDx Variant Classification Process June 2021. Collection method: clinical testing. Allele origin: germline. Not counted in ClinVar's aggregate classification.
Comment: Not observed at significant frequency in large population cohorts (gnomAD); In silico analysis supports that this missense variant has a deleterious effect on protein structure/function; Has not been previously published as pathogenic or benign to our knowledge

Genetic Services Laboratory, University of Chicago
Classification: Likely pathogenic for SHORT syndrome. Last evaluated: 2014-05-29. Review status: criteria provided, single submitter. Criteria: ACMG Guidelines, 2015. Collection method: clinical testing. Allele origin: germline. Inheritance: Autosomal dominant inheritance. Affected: yes. Not counted in ClinVar's aggregate classification.

NM_181523.3(PIK3R1):c.1106C>T (p.Thr369Ile)

Gene: PIK3R1 (phosphoinositide-3-kinase regulatory subunit 1; plus strand). Cytogenetic location: 5q13.1.
Variant type: single nucleotide variant.
Coding change: c.1106C>T on transcript NM_181523.3 (MANE Select); coding-DNA position 1106, C replaced by T.
Protein change: p.Thr369Ile; replaces threonine 369 with isoleucine.
Molecular consequence: missense variant.
Genome position (GRCh38, 1-based): chr5:68,293,187, C>T. VCF-style: chr5-68293187-C-T. GRCh37 (hg19) VCF-style: chr5-67589015-C-T.
Other names: NM_181523.3(PIK3R1):c.1106C>T; p.Thr369Ile; c.17C>T, p.Thr6Ile (NM_001242466.2); c.296C>T, p.Thr99Ile (NM_181504.4); c.206C>T, p.Thr69Ile (NM_181524.2); c.1106C>T (NM_181523.2); short protein forms T369I, T69I, T6I, T99I.
Identifiers: ClinVar variation 159719 (VCV000159719.8), dbSNP rs587784325, ClinGen allele CA272459.